The following is an entry in ClinVar:

NM_000465.4(BARD1):c.1086T>A (p.Cys362Ter)

Gene: BARD1 (BRCA1 associated RING domain 1; minus strand). Cytogenetic location: 2q35.
Variant type: single nucleotide variant.
Coding change: c.1086T>A on transcript NM_000465.4 (MANE Select); coding-DNA position 1086, T replaced by A.
Protein change: p.Cys362Ter; replaces cysteine 362 with a stop codon.
Molecular consequence: nonsense. On other transcripts: non-coding transcript variant (2), intron variant (3).
Genome position (GRCh38, 1-based): chr2:214,780,788, A>T on the plus strand (T>A on the coding strand, the complement: BARD1 is on the minus strand). VCF-style: chr2-214780788-A-T. GRCh37 (hg19) VCF-style: chr2-215645512-A-T.
Other names: c.1029T>A, p.Cys343Ter (NM_001282543.2); c.159-28233T>A (NM_001282548.2); c.215+16273T>A (NM_001282545.2); c.364+11509T>A (NM_001282549.2); short protein forms C343*, C362*.
Identifiers: ClinVar variation 1787771 (VCV001787771.4), dbSNP rs2469503962, ClinGen allele CA350454085.
Genomic context (GRCh38, chr2:214,780,788, plus strand): 5'-GTTACTGTTTTTCCTCCCTGATGTACCACCAACTTTACGTTTGCATGAAGGTGGTGAAGA[A>T]CATTCAGGCAATGGTATATTTTCTGAGGGCACCGTTTGCTTAACAAAATCTCCACTGGTG-3'

ClinVar aggregate classification (germline): Pathogenic. Review status: criteria provided, multiple submitters, no conflicts (2 of 4 stars). 2 submissions from 2 submitters: Pathogenic (2). Last evaluated 2023-05-22.

Conditions:
Hereditary cancer-predisposing syndrome. Also called: Neoplastic Syndromes, Hereditary; Tumor predisposition; Hereditary Cancer Syndrome; Hereditary neoplastic syndrome. Identifiers: Orphanet 140162, MedGen C0027672, MeSH D009386, MONDO:0015356.
Familial cancer of breast. Also called: BREAST CANCER, FAMILIAL; Hereditary breast cancer; hereditary breast carcinoma. Identifiers: Orphanet 227535, MedGen C0346153, MONDO:0016419, OMIM 114480. Disease mechanism: loss of function.

Submissions (2):

Myriad Genetics, Inc.
Classification: Pathogenic for Familial cancer of breast. Last evaluated: 2023-05-22. Review status: criteria provided, single submitter. Criteria: Myriad Autosomal Dominant, Autosomal Recessive and X-Linked Classification Criteria (2023). Collection method: clinical testing. Allele origin: unknown.
Comment: This variant is considered pathogenic. This variant creates a termination codon and is predicted to result in premature protein truncation.

Ambry Genetics
Classification: Pathogenic for Hereditary cancer-predisposing syndrome. Last evaluated: 2019-09-26. Review status: criteria provided, single submitter. Criteria: Ambry Variant Classification Scheme 2023. Collection method: clinical testing. Allele origin: germline.
Comment: The p.C362* pathogenic mutation (also known as c.1086T>A), located in coding exon 4 of the BARD1 gene, results from a T to A substitution at nucleotide position 1086. This changes the amino acid from a cysteine to a stop codon within coding exon 4. This alteration is expected to result in loss of function by premature protein truncation or nonsense-mediated mRNA decay. As such, this alteration is interpreted as a disease-causing mutation.